The following is an entry in ClinVar:

ClinVar aggregate classification (germline): Uncertain significance (1 of 4 stars; one submission).

Conditions:
Joubert syndrome 21 (JBTS21). Identifiers: MedGen C3810212, MONDO:0014288, OMIM 615636.

Allele frequency attached by ClinVar (database versions not stated): TOPMed 0.00006; 1000 Genomes Project 30x 0.00016; 1000 Genomes Project 0.00020.
gnomAD v4.1: 91 of 1,581,384 alleles (0.0058%); highest among the groups gnomAD compares: Non-Finnish European, 0.0069%; no homozygotes.

Submission:

Labcorp Genetics (formerly Invitae), Labcorp
Classification: Uncertain significance for Joubert syndrome 21. Last evaluated: 2024-08-19. Review status: criteria provided, single submitter. Criteria: Invitae Variant Classification Sherloc (09022015). Collection method: clinical testing. Allele origin: germline.
Comment: This sequence change replaces proline, which is neutral and non-polar, with serine, which is neutral and polar, at codon 421 of the CSPP1 protein (p.Pro421Ser). This variant is present in population databases (rs201880658, gnomAD 0.01%). This variant has not been reported in the literature in individuals affected with CSPP1-related conditions. ClinVar contains an entry for this variant (Variation ID: 1363117). An algorithm developed to predict the effect of missense changes on protein structure and function (PolyPhen-2) suggests that this variant is likely to be disruptive. In summary, the available evidence is currently insufficient to determine the role of this variant in disease. Therefore, it has been classified as a Variant of Uncertain Significance.

NM_001382391.1(CSPP1):c.1234C>T (p.Pro412Ser)

Gene: CSPP1 (centrosome and spindle pole associated protein 1; plus strand). Cytogenetic location: 8q13.2.
Variant type: single nucleotide variant.
Coding change: c.1234C>T on transcript NM_001382391.1 (MANE Select); coding-DNA position 1234, C replaced by T.
Protein change: p.Pro412Ser; replaces proline 412 with serine.
Molecular consequence: missense variant.
Genome position (GRCh38, 1-based): chr8:67,113,851, C>T. VCF-style: chr8-67113851-C-T. GRCh37 (hg19) VCF-style: chr8-68026086-C-T.
Other names: c.379C>T, p.Pro127Ser (NM_001291339.2); c.1153C>T, p.Pro385Ser (NM_001363131.2, NM_001363133.2); c.1234C>T, p.Pro412Ser (NM_001363132.2); c.1342C>T, p.Pro448Ser (NM_001364869.1); c.1162C>T, p.Pro388Ser (NM_001364870.1); c.1261C>T, p.Pro421Ser (NM_024790.7); short protein forms P385S, P127S, P412S, P421S, P388S, P448S.
Identifiers: ClinVar variation 1363117 (VCV001363117.4), dbSNP rs201880658, ClinGen allele CA4770492.